The following is an entry in ClinVar:

ClinVar aggregate classification (germline): Likely pathogenic (1 of 4 stars; one submission).

Conditions:
Nemaline myopathy 2 (NEM2). Also called: Nemaline myopathy 2, autosomal recessive. Identifiers: MedGen C1850569, MONDO:0009725, OMIM 256030.

Submission:

Laboratory of Functional Genomics, Research Centre for Medical Genetics
Classification: Likely pathogenic for Nemaline myopathy 2. Last evaluated: 2025-12-22. Review status: criteria provided, single submitter. Criteria: ACMG Guidelines, 2015. Collection method: clinical testing. Allele origin: inherited. Inheritance: Autosomal recessive inheritance. Affected: yes. Observed: 1 compound heterozygote.
Comment: Bioinformatic analysis, using spliceAI, indicated that the NM_001271208.2:c.3148-19_3148-2del variant could affect the splicing of the NEB gene mRNA. To determine its impact on the NEB mRNA structure, RT-PCR analysis was performed on mRNA isolated from both an intact skin fibroblast culture of the proband and from a fibroblast culture treated with cycloheximide to inhibit nonsense-mediated mRNA decay (NMD). Sequencing of the obtained PCR products was carried out using ONT technology. The analysis of obtained data revealed reference isoform, aberrant transcripts in the proband: 20% of transcripts with retention of intron 31, which at the protein level leads to its significant truncation (p.(Asn1050ValfsTer16)); and 4% of transcripts with skipping of exon 32, which at the protein level leads to an in-frame deletion of 35 amino acids (p.(Ile1015_Glu1049del)). Furthermore, analysis of allelic imbalance allowed to determine that 25% of the transcripts transcribed from the allele carrying the NM_001271208.2:c.3148-19_3148-2del variant are degraded via the NMD mechanism. Therefore, based on ACMG criteria (PM2, PS3), this variant has been classified as likely pathogenic.

NM_001164508.2(NEB):c.3148-19_3148-2del

Gene: NEB (nebulin; minus strand). Cytogenetic location: 2q23.3.
Variant type: Deletion.
Coding change: c.3148-19_3148-2del on transcript NM_001164508.2 (MANE Select); 19 bases into the intron before coding-DNA position 3148 through the canonical splice acceptor site of the intron before coding-DNA position 3148, 18 bases deleted (AATGACATTTTTCTTTCA).
Molecular consequence: splice acceptor variant.
Genome position (GRCh38, 1-based): chr2:151,679,830-151,679,847, TGAAAGAAAAATGTCATT deleted on the plus strand (AATGACATTTTTCTTTCA on the coding strand, the reverse complement: NEB is on the minus strand); deleting any 18 consecutive bases within chr2:151,679,830-151,679,848 gives the same sequence; the c. name uses the placement nearest the transcript's 3' end. VCF-style (leftmost placement, unchanged base first): chr2-151679829-CTGAAAGAAAAATGTCATT-C. GRCh37 (hg19) VCF-style: chr2-152536343-CTGAAAGAAAAATGTCATT-C.
Other names: chr2:152536343CTGAAAGAAAAATGTCATT>C; c.3148-19_3148-2del (NM_004543.5, NM_001164507.2, NM_001271208.2).
Identifiers: ClinVar variation 4685455 (VCV004685455.1).